The following is an entry in ClinVar:

NM_006761.5(YWHAE):c.444C>T (p.Ser148=)

Gene: YWHAE (tyrosine 3-monooxygenase/tryptophan 5-monooxygenase activation protein epsilon; minus strand). Cytogenetic location: 17p13.3.
Variant type: single nucleotide variant.
Coding change: c.444C>T on transcript NM_006761.5 (MANE Select); coding-DNA position 444, C replaced by T.
Protein change: p.Ser148=; no amino-acid change (serine 148 retained).
Molecular consequence: synonymous variant. On other transcripts: non-coding transcript variant (1).
Genome position (GRCh38, 1-based): chr17:1,361,226, G>A on the plus strand (C>T on the coding strand, the complement: YWHAE is on the minus strand). VCF-style: chr17-1361226-G-A. GRCh37 (hg19) VCF-style: chr17-1264520-G-A.
Identifiers: ClinVar variation 703556 (VCV000703556.10), dbSNP rs761324586, ClinGen allele CA8266168.

ClinVar aggregate classification (germline): Likely benign. Review status: criteria provided, multiple submitters, no conflicts (2 of 4 stars). 3 submissions from 3 submitters: Likely benign (2). 1 of the submissions does not count toward it. Last evaluated 2026-01-19.

Conditions:
YWHAE-related disorder. Also called: YWHAE-related condition.

Allele frequency attached by ClinVar (database versions not stated): gnomAD 0.00001 and 0.00006; TOPMed 0.00003; gnomAD exomes 0.00011 and 0.00016; ExAC 0.00016.
gnomAD v4.1: 172 of 1,613,728 alleles (0.011%); highest among the groups gnomAD compares: South Asian, 0.063%; 5 homozygotes.

Submissions (3):

Labcorp Genetics (formerly Invitae), Labcorp
Classification: Likely benign. Last evaluated: 2026-01-19. Review status: criteria provided, single submitter. Criteria: Invitae Variant Classification Sherloc (09022015). Collection method: clinical testing. Allele origin: germline.

Blueprint Genetics
Classification: Likely benign. Last evaluated: 2024-11-26. Review status: criteria provided, single submitter. Criteria: ACMG Guidelines, 2015. Collection method: clinical testing. Allele origin: germline.

PreventionGenetics, part of Exact Sciences
Classification: Likely benign for YWHAE-related condition. Last evaluated: 2019-03-29. Review status: no assertion criteria provided. Collection method: clinical testing. Allele origin: germline. Not counted in ClinVar's aggregate classification.
Comment: This variant is classified as likely benign based on ACMG/AMP sequence variant interpretation guidelines (Richards et al. 2015 PMID: 25741868, with internal and published modifications).